The following is an entry in ClinVar:

ClinVar aggregate classification (germline): Uncertain significance (1 of 4 stars; one submission).

Allele frequency attached by ClinVar (database versions not stated): gnomAD exomes below 0.00001.
gnomAD v4.1: 1 of 1,612,784 alleles (0.000062%); highest among the groups gnomAD compares: Non-Finnish European, 0.000085%; no homozygotes.

Submission:

Labcorp Genetics (formerly Invitae), Labcorp
Classification: Uncertain significance. Last evaluated: 2022-03-07. Review status: criteria provided, single submitter. Criteria: Invitae Variant Classification Sherloc (09022015). Collection method: clinical testing. Allele origin: germline.
Comment: This variant has not been reported in the literature in individuals affected with KMT2A-related conditions. This sequence change replaces phenylalanine, which is neutral and non-polar, with leucine, which is neutral and non-polar, at codon 2004 of the KMT2A protein (p.Phe2004Leu). This variant is not present in population databases (gnomAD no frequency). Advanced modeling of protein sequence and biophysical properties (such as structural, functional, and spatial information, amino acid conservation, physicochemical variation, residue mobility, and thermodynamic stability) performed at Invitae indicates that this missense variant is not expected to disrupt KMT2A protein function. In summary, the available evidence is currently insufficient to determine the role of this variant in disease. Therefore, it has been classified as a Variant of Uncertain Significance.

NM_001197104.2(KMT2A):c.6010T>C (p.Phe2004Leu)

Gene: KMT2A (lysine methyltransferase 2A; plus strand). Cytogenetic location: 11q23.3.
Variant type: single nucleotide variant.
Coding change: c.6010T>C on transcript NM_001197104.2 (MANE Select); coding-DNA position 6010, T replaced by C.
Protein change: p.Phe2004Leu; replaces phenylalanine 2004 with leucine.
Molecular consequence: missense variant.
Genome position (GRCh38, 1-based): chr11:118,499,351, T>C. VCF-style: chr11-118499351-T-C. GRCh37 (hg19) VCF-style: chr11-118370066-T-C.
Other names: c.6001T>C, p.Phe2001Leu (NM_005933.4); short protein forms F2001L, F2004L.
Identifiers: ClinVar variation 1373919 (VCV001373919.6), dbSNP rs2134372202, ClinGen allele CA382799248.